The following is an entry in ClinVar:

ClinVar aggregate classification (germline): Uncertain significance. Review status: criteria provided, multiple submitters, no conflicts (2 of 4 stars). 2 submissions from 2 submitters: Uncertain significance (2). Last evaluated 2023-08-19.

Conditions:
Naxos disease (NXD). Also called: KERATOSIS PALMOPLANTARIS WITH ARRHYTHMOGENIC CARDIOMYOPATHY; MAL DE NAXOS; PALMOPLANTAR KERATODERMA WITH ARRHYTHMOGENIC RIGHT VENTRICULAR CARDIOMYOPATHY AND WOOLLY HAIR; WOOLLY HAIR, PALMOPLANTAR KERATODERMA, AND CARDIAC ABNORMALITIES; CARDIOMYOPATHY, ARRHYTHMOGENIC RIGHT VENTRICULAR, WITH SKIN, HAIR, AND NAIL ABNORMALITIES. Identifiers: Orphanet 34217, MedGen C1832600, MONDO:0011017, OMIM 601214.
Arrhythmogenic right ventricular dysplasia 12. Also called: ARRHYTHMOGENIC RIGHT VENTRICULAR DYSPLASIA, FAMILIAL, 12. Identifiers: MedGen C1969081, MONDO:0012684, OMIM 611528.

Allele frequency attached by ClinVar (database versions not stated): gnomAD exomes below 0.00001.
gnomAD v4.1: 1 of 1,614,200 alleles (0.000062%); highest among the groups gnomAD compares: South Asian, 0.0011%; no homozygotes.

Submissions (2):

Women's Health and Genetics/Laboratory Corporation of America, LabCorp
Classification: Uncertain significance. Last evaluated: 2023-08-19. Review status: criteria provided, single submitter. Criteria: LabCorp Variant Classification Summary - May 2015. Collection method: clinical testing. Allele origin: germline.

Labcorp Genetics (formerly Invitae), Labcorp
Classification: Uncertain significance for Arrhythmogenic right ventricular dysplasia 12; Naxos disease. Last evaluated: 2016-05-30. Review status: criteria provided, single submitter. Criteria: Invitae Variant Classification Sherloc (09022015). Collection method: clinical testing. Allele origin: germline.
Comment: Algorithms developed to predict the effect of missense changes on protein structure and function do not agree on the potential impact of this missense change (SIFT: "Deleterious"; PolyPhen-2: "Benign"; Align-GVGD: "Class C0"). In summary, this variant is a novel missense change with uncertain impact on protein function. It has been classified as a Variant of Uncertain Significance. This variant is not present in population databases (ExAC no frequency) and has not been reported in the literature in individuals with a JUP-related disease. This sequence change replaces alanine with valine at codon 411 of the JUP protein (p.Ala411Val). The alanine residue is highly conserved and there is a small physicochemical difference between alanine and valine.

NM_002230.4(JUP):c.1232C>T (p.Ala411Val)

Gene: JUP (junction plakoglobin; minus strand). Cytogenetic location: 17q21.2.
Variant type: single nucleotide variant.
Coding change: c.1232C>T on transcript NM_002230.4 (MANE Select); coding-DNA position 1232, C replaced by T.
Protein change: p.Ala411Val; replaces alanine 411 with valine.
Molecular consequence: missense variant.
Genome position (GRCh38, 1-based): chr17:41,763,248, G>A on the plus strand (C>T on the coding strand, the complement: JUP is on the minus strand). VCF-style: chr17-41763248-G-A. GRCh37 (hg19) VCF-style: chr17-39919500-G-A.
Other names: c.1232C>T, p.Ala411Val (NM_001352773.2, NM_001352774.2, NM_001352775.2 and 3 more transcripts); c.1232C>T (NM_021991.2); short protein forms A411V.
Identifiers: ClinVar variation 409990 (VCV000409990.9), dbSNP rs1060502680, ClinGen allele CA16615360.